The following is an entry in ClinVar:

NM_004304.5(ALK):c.3497T>C (p.Met1166Thr)

Gene: ALK (ALK receptor tyrosine kinase; minus strand). Cytogenetic location: 2p23.2.
Variant type: single nucleotide variant.
Coding change: c.3497T>C on transcript NM_004304.5 (MANE Select); coding-DNA position 3497, T replaced by C.
Protein change: p.Met1166Thr; replaces methionine 1166 with threonine.
Molecular consequence: missense variant.
Genome position (GRCh38, 1-based): chr2:29,222,362, A>G on the plus strand (T>C on the coding strand, the complement: ALK is on the minus strand). VCF-style: chr2-29222362-A-G. GRCh37 (hg19) VCF-style: chr2-29445228-A-G.
Other names: c.293T>C, p.Met98Thr (NM_001353765.2); c.3497T>C (NM_004304.4); short protein forms M1166T, M98T.
Identifiers: ClinVar variation 1461292 (VCV001461292.10), dbSNP rs1057520019, ClinGen allele CA346462997.
Genomic context (GRCh38, chr2:29,222,362, plus strand): 5'-GCAGAGGGGAGTTGGGGTGAGGGTGTCTCTCTGTGGCTTTACCTGATGATCAGGGCTTCC[A>G]TGAGGAAATCCAGTTCGTCCTGTTCAGAGCACACTTCAGGCAGCGTCTGGGCAGAGAAGG-3'
Protein context (NP_004295.2, residues 1156-1176): CSEQDELDFL[Met1166Thr]EALIISKFNH

ClinVar aggregate classification (germline): Uncertain significance. Review status: criteria provided, multiple submitters, no conflicts (2 of 4 stars). 2 submissions from 2 submitters: Uncertain significance (2). Last evaluated 2025-01-07.

Conditions:
Hereditary cancer-predisposing syndrome. Also called: Neoplastic Syndromes, Hereditary; Hereditary Cancer Syndrome; Tumor predisposition; Hereditary neoplastic syndrome. Identifiers: Orphanet 140162, MedGen C0027672, MeSH D009386, MONDO:0015356.
Neuroblastoma, susceptibility to, 3. Also called: ALK-Related Neuroblastic Tumor Susceptibility. Identifiers: Orphanet 635, MedGen C2751681, MONDO:0013083, OMIM 613014.

Allele frequency attached by ClinVar (database versions not stated): TOPMed below 0.00001; gnomAD 0.00001.

Submissions (2):

Labcorp Genetics (formerly Invitae), Labcorp
Classification: Uncertain significance for Neuroblastoma, susceptibility to, 3. Last evaluated: 2025-01-07. Review status: criteria provided, single submitter. Criteria: Invitae Variant Classification Sherloc (09022015). Collection method: clinical testing. Allele origin: germline.
Comment: This sequence change replaces methionine, which is neutral and non-polar, with threonine, which is neutral and polar, at codon 1166 of the ALK protein (p.Met1166Thr). This variant is not present in population databases (gnomAD no frequency). This variant has not been reported in the literature in individuals affected with ALK-related conditions. ClinVar contains an entry for this variant (Variation ID: 1461292). An algorithm developed to predict the effect of missense changes on protein structure and function (PolyPhen-2) suggests that this variant is likely to be disruptive. In summary, the available evidence is currently insufficient to determine the role of this variant in disease. Therefore, it has been classified as a Variant of Uncertain Significance.

Ambry Genetics
Classification: Uncertain significance for Hereditary cancer-predisposing syndrome. Last evaluated: 2024-11-08. Review status: criteria provided, single submitter. Criteria: Ambry Variant Classification Scheme 2023. Collection method: clinical testing. Allele origin: germline.
Comment: The p.M1166T variant (also known as c.3497T>C), located in coding exon 22 of the ALK gene, results from a T to C substitution at nucleotide position 3497. The methionine at codon 1166 is replaced by threonine, an amino acid with similar properties. This amino acid position is highly conserved in available vertebrate species. In addition, this alteration is predicted to be deleterious by in silico analysis. Since supporting evidence is limited at this time, the clinical significance of this alteration remains unclear.